The following is an entry in ClinVar:

ClinVar aggregate classification (germline): Uncertain significance (1 of 4 stars; one submission).

Conditions:
Familial thoracic aortic aneurysm and aortic dissection (TAAD). Also called: Thoracic aortic aneurysms and dissections. Identifiers: Orphanet 91387, MedGen C4707243, MONDO:0019625.

Allele frequency attached by ClinVar (database versions not stated): gnomAD exomes 0.00001.
gnomAD v4.1: 13 of 1,614,138 alleles (0.00081%); highest among the groups gnomAD compares: Non-Finnish European, 0.0011%; no homozygotes.

Submission:

Color Diagnostics, LLC DBA Color Health
Classification: Uncertain significance for Familial thoracic aortic aneurysm and aortic dissection. Last evaluated: 2023-03-06. Review status: criteria provided, single submitter. Criteria: ACMG Guidelines, 2015. Collection method: clinical testing. Allele origin: germline.
Comment: This missense variant replaces glutamic acid with glutamine at codon 52 of the MYH11 protein. Computational prediction suggests that this variant may not impact protein structure and function (internally defined REVEL score threshold <= 0.5, PMID: 27666373). To our knowledge, functional studies have not been reported for this variant. This variant has not been reported in individuals affected with MYH11-related disorders in the literature. This variant has not been identified in the general population by the Genome Aggregation Database (gnomAD). The available evidence is insufficient to determine the role of this variant in disease conclusively. Therefore, this variant is classified as a Variant of Uncertain Significance.

NM_002474.3(MYH11):c.154G>C (p.Glu52Gln)

Gene: MYH11 (myosin heavy chain 11; minus strand). Cytogenetic location: 16p13.11.
Variant type: single nucleotide variant.
Coding change: c.154G>C on transcript NM_002474.3 (MANE Select); coding-DNA position 154, G replaced by C.
Protein change: p.Glu52Gln; replaces glutamic acid 52 with glutamine.
Molecular consequence: missense variant.
Genome position (GRCh38, 1-based): chr16:15,838,099, C>G on the plus strand (G>C on the coding strand, the complement: MYH11 is on the minus strand). VCF-style: chr16-15838099-C-G. GRCh37 (hg19) VCF-style: chr16-15931956-C-G.
Other names: c.154G>C, p.Glu52Gln (NM_001040113.2, NM_001040114.2, NM_022844.3); short protein forms E52Q.
Identifiers: ClinVar variation 2773882 (VCV002773882.2), dbSNP rs2151381441, ClinGen allele CA395198559.
Genomic context (GRCh38, chr16:15,838,099, plus strand): 5'-CAACCGTGACCTTCTTGCCATTCTCCACCAGCTCCACAACCACCTCATCCCCCTTCTCCT[C>G]CTTAATGCTGGCTGCCTCGAAGCCCTGCTTCTCCGAGGGGACCCAGACGAGTCTCTTGGC-3'
Protein context (NP_002465.1, residues 42-62): KQGFEAASIK[Glu52Gln]EKGDEVVVEL